The following is an entry in ClinVar:

NM_000138.5(FBN1):c.7881dup (p.Ser2628fs)

Gene: FBN1 (fibrillin 1; minus strand). Cytogenetic location: 15q21.1.
Variant type: Duplication.
Coding change: c.7881dup on transcript NM_000138.5 (MANE Select); coding-DNA position 7881, one base duplicated (G; older notation c.7881dupG).
Protein change: p.Ser2628fs; shifts the reading frame from serine 2628.
Molecular consequence: frameshift variant.
Genome position (GRCh38, 1-based): chr15:48,415,706, C duplicated on the plus strand (G on the coding strand, the reverse complement: FBN1 is on the minus strand); the first of 4 consecutive C bases (chr15:48,415,706-48,415,709); duplicating any one gives the same sequence. VCF-style (leftmost placement, unchanged base first): chr15-48415705-T-TC. GRCh37 (hg19) VCF-style: chr15-48707902-T-TC.
Other names: c.7881dupG (NM_000138.4); short protein forms S2628fs.
Identifiers: ClinVar variation 406338 (VCV000406338.8), dbSNP rs1060501067, ClinGen allele CA16614389.

ClinVar aggregate classification (germline): Pathogenic (1 of 4 stars; one submission).

Conditions:
Marfan syndrome (MFS). Also called: Marfan syndrome, classic; Marfan syndrome type 1; Marfan's syndrome; MARFAN SYNDROME, TYPE I; FBN1-Related Marfan Syndrome. Identifiers: Orphanet 284963, Orphanet 558, MedGen C0024796, MONDO:0007947, OMIM 154700.
Familial thoracic aortic aneurysm and aortic dissection (TAAD). Also called: Thoracic aortic aneurysms and dissections. Identifiers: Orphanet 91387, MedGen C4707243, MONDO:0019625.

Submission:

Labcorp Genetics (formerly Invitae), Labcorp
Classification: Pathogenic for Marfan syndrome; Familial thoracic aortic aneurysm and aortic dissection. Last evaluated: 2019-05-10. Review status: criteria provided, single submitter. Criteria: Invitae Variant Classification Sherloc (09022015). Collection method: clinical testing. Allele origin: germline.
Comment: This variant has not been reported in the literature in individuals with FBN1-related conditions. ClinVar contains an entry for this variant (Variation ID: 406338). This variant is not present in population databases (ExAC no frequency). This sequence change creates a premature translational stop signal (p.Ser2628Glufs*13) in the FBN1 gene. It is expected to result in an absent or disrupted protein product. Loss-of-function variants in FBN1 are known to be pathogenic (PMID: 17657824, 19293843). For these reasons, this variant has been classified as Pathogenic.

Literature cited by the submitters: PubMed 17657824; PubMed 19293843.